The following is an entry in ClinVar:

NM_005585.5(SMAD6):c.575T>C (p.Leu192Pro)

Gene: SMAD6 (SMAD family member 6; plus strand). Cytogenetic location: 15q22.31.
Variant type: single nucleotide variant.
Coding change: c.575T>C on transcript NM_005585.5 (MANE Select); coding-DNA position 575, T replaced by C.
Protein change: p.Leu192Pro; replaces leucine 192 with proline.
Molecular consequence: missense variant. On other transcripts: non-coding transcript variant (1).
Genome position (GRCh38, 1-based): chr15:66,703,833, T>C. VCF-style: chr15-66703833-T-C. GRCh37 (hg19) VCF-style: chr15-66996171-T-C.
Other names: short protein forms L192P.
Identifiers: ClinVar variation 3730536 (VCV003730536.4).

ClinVar aggregate classification (germline): Uncertain significance. Review status: criteria provided, multiple submitters, no conflicts (2 of 4 stars). 2 submissions from 2 submitters: Uncertain significance (2). Last evaluated 2024-12-15.

Conditions:
Aortic valve disease 2 (AOVD2). Identifiers: MedGen C3542024, MONDO:0013902, OMIM 614823.

Submissions (2):

Labcorp Genetics (formerly Invitae), Labcorp
Classification: Uncertain significance for Aortic valve disease 2. Last evaluated: 2024-12-15. Review status: criteria provided, single submitter. Criteria: Invitae Variant Classification Sherloc (09022015). Collection method: clinical testing. Allele origin: germline.
Comment: This sequence change replaces leucine, which is neutral and non-polar, with proline, which is neutral and non-polar, at codon 192 of the SMAD6 protein (p.Leu192Pro). This variant is not present in population databases (gnomAD no frequency). This variant has not been reported in the literature in individuals affected with SMAD6-related conditions. Invitae Evidence Modeling of protein sequence and biophysical properties (such as structural, functional, and spatial information, amino acid conservation, physicochemical variation, residue mobility, and thermodynamic stability) indicates that this missense variant is not expected to disrupt SMAD6 protein function with a negative predictive value of 80%. In summary, the available evidence is currently insufficient to determine the role of this variant in disease. Therefore, it has been classified as a Variant of Uncertain Significance.

Juno Genomics, Hangzhou Juno Genomics, Inc
Classification: Uncertain significance for Aortic valve disease 2. Review status: criteria provided, single submitter. Criteria: ACMG Guidelines, 2015. Collection method: clinical testing. Allele origin: germline.
Comment: Absent from controls (or at extremely low frequency if recessive) in Genome Aggregation Database.;Multiple lines of computational evidence support a deleterious effect on the gene or gene product.